The following is an entry in ClinVar:

NM_007098.4(CLTCL1):c.4774G>C (p.Val1592Leu)

Gene: CLTCL1 (clathrin heavy chain like 1; minus strand). Cytogenetic location: 22q11.21.
Variant type: single nucleotide variant.
Coding change: c.4774G>C on transcript NM_007098.4 (MANE Select); coding-DNA position 4774, G replaced by C.
Protein change: p.Val1592Leu; replaces valine 1592 with leucine.
Molecular consequence: missense variant.
Genome position (GRCh38, 1-based): chr22:19,183,443, C>G on the plus strand (G>C on the coding strand, the complement: CLTCL1 is on the minus strand). VCF-style: chr22-19183443-C-G. GRCh37 (hg19) VCF-style: chr22-19170956-C-G.
Other names: p.Val1592Leu; c.4603G>C, p.Val1535Leu (NM_001835.4); short protein forms V1535L, V1592L.
Identifiers: ClinVar variation 716364 (VCV000716364.6), dbSNP rs2073738, ClinGen allele CA10097640.

ClinVar aggregate classification (germline): Benign. Review status: criteria provided, multiple submitters, no conflicts (2 of 4 stars). 3 submissions from 3 submitters: Benign (3). Last evaluated 2024-12-31.

Allele frequency attached by ClinVar (database versions not stated): 1000 Genomes Project 30x 0.00671; 1000 Genomes Project 0.00739; TOPMed 0.00753.
gnomAD v4.1: 2,116 of 1,613,658 alleles (0.13%); highest among the groups gnomAD compares: African/African-American, 2.4%; 21 homozygotes.

Submissions (3):

Mayo Clinic Laboratories, Mayo Clinic
Classification: Benign. Last evaluated: 2024-12-31. Review status: criteria provided, single submitter. Criteria: ACMG Guidelines, 2015. Collection method: clinical testing. Allele origin: germline. Observed: 4 variant alleles.
Comment: BS1, BP4_strong

Labcorp Genetics (formerly Invitae), Labcorp
Classification: Benign. Last evaluated: 2019-12-31. Review status: criteria provided, single submitter. Criteria: Invitae Variant Classification Sherloc (09022015). Collection method: clinical testing. Allele origin: germline.

Breakthrough Genomics
Classification: Benign. Review status: criteria provided, single submitter. Criteria: ACMG Guidelines, 2015. Collection method: not provided. Allele origin: germline. Inheritance: Unknown mechanism. Affected: yes.